The following is an entry in ClinVar:

NM_001105206.3(LAMA4):c.5030G>A (p.Arg1677His)

Gene: LAMA4 (laminin subunit alpha 4; minus strand). Cytogenetic location: 6q21.
Variant type: single nucleotide variant.
Coding change: c.5030G>A on transcript NM_001105206.3 (MANE Select); coding-DNA position 5030, G replaced by A.
Protein change: p.Arg1677His; replaces arginine 1677 with histidine.
Molecular consequence: missense variant.
Genome position (GRCh38, 1-based): chr6:112,115,945, C>T on the plus strand (G>A on the coding strand, the complement: LAMA4 is on the minus strand). VCF-style: chr6-112115945-C-T. GRCh37 (hg19) VCF-style: chr6-112437148-C-T.
Other names: p.R1670H:CGT>CAT; c.5009G>A, p.Arg1670His (NM_001105207.3, NM_002290.5); short protein forms R1670H, R1677H.
Identifiers: ClinVar variation 213609 (VCV000213609.12), dbSNP rs782174781, ClinGen allele CA320676.

ClinVar aggregate classification (germline): Uncertain significance. Review status: criteria provided, multiple submitters, no conflicts (2 of 4 stars). 3 submissions from 3 submitters: Uncertain significance (3). Last evaluated 2024-04-30.

Conditions:
Cardiovascular phenotype. Identifiers: MedGen CN230736.
Dilated cardiomyopathy 1JJ (CMD1JJ). Identifiers: Orphanet 154, MedGen C3808935, MONDO:0014095, OMIM 615235.

Allele frequency attached by ClinVar (database versions not stated): gnomAD exomes 0.00007; ExAC 0.00010.
gnomAD v4.1: 34 of 1,613,114 alleles (0.0021%); highest among the groups gnomAD compares: Admixed American, 0.005%; no homozygotes.

Submissions (3):

Ambry Genetics
Classification: Uncertain significance for Cardiovascular phenotype. Last evaluated: 2024-04-30. Review status: criteria provided, single submitter. Criteria: Ambry Variant Classification Scheme 2023. Collection method: clinical testing. Allele origin: germline.
Comment: The p.R1670H variant (also known as c.5009G>A), located in coding exon 35 of the LAMA4 gene, results from a G to A substitution at nucleotide position 5009. The arginine at codon 1670 is replaced by histidine, an amino acid with highly similar properties. This amino acid position is highly conserved in available vertebrate species. In addition, this alteration is predicted to be deleterious by in silico analysis. The evidence for this gene-disease relationship is limited; therefore, the clinical significance of this alteration is unclear.

Labcorp Genetics (formerly Invitae), Labcorp
Classification: Uncertain significance for Dilated cardiomyopathy 1JJ. Last evaluated: 2023-06-28. Review status: criteria provided, single submitter. Criteria: Invitae Variant Classification Sherloc (09022015). Collection method: clinical testing. Allele origin: germline.
Comment: In summary, the available evidence is currently insufficient to determine the role of this variant in disease. Therefore, it has been classified as a Variant of Uncertain Significance. An algorithm developed to predict the effect of missense changes on protein structure and function (PolyPhen-2) suggests that this variant is likely to be disruptive. ClinVar contains an entry for this variant (Variation ID: 213609). This variant has not been reported in the literature in individuals affected with LAMA4-related conditions. This variant is present in population databases (rs782174781, gnomAD 0.01%). This sequence change replaces arginine, which is basic and polar, with histidine, which is basic and polar, at codon 1670 of the LAMA4 protein (p.Arg1670His).

GeneDx
Classification: Uncertain significance. Last evaluated: 2022-05-27. Review status: criteria provided, single submitter. Criteria: GeneDx Variant Classification Process June 2021. Collection method: clinical testing. Allele origin: germline. Affected: yes.
Comment: In silico analysis supports that this missense variant has a deleterious effect on protein structure/function; Has not been previously published as pathogenic or benign to our knowledge